The following is an entry in ClinVar:

NM_000117.3(EMD):c.391_397dup (p.Gln133fs)

Gene: EMD (emerin; plus strand). Cytogenetic location: Xq28.
Variant type: Duplication.
Coding change: c.391_397dup on transcript NM_000117.3 (MANE Select); coding-DNA positions 391 to 397, 7 bases duplicated (CATCACC; older notation c.391_397dupCATCACC).
Protein change: p.Gln133fs; shifts the reading frame from glutamine 133.
Molecular consequence: frameshift variant.
Genome position (GRCh38, 1-based): chrX:154,380,359-154,380,365, CATCACC duplicated; duplicating any 7 consecutive bases within chrX:154,380,358-154,380,365 gives the same sequence; the c. name uses the placement nearest the transcript's 3' end. VCF-style (leftmost placement, unchanged base first): chrX-154380357-T-TCCATCAC. GRCh37 (hg19) VCF-style: chrX-153608717-T-TCCATCAC.
Other names: short protein forms Q133fs.
Identifiers: ClinVar variation 2824646 (VCV002824646.3), dbSNP rs2522789000, ClinGen allele CA2739273884.

ClinVar aggregate classification (germline): Pathogenic (1 of 4 stars; one submission).

Conditions:
X-linked Emery-Dreifuss muscular dystrophy. Also called: Muscular dystrophy, tardive Emery-Dreifuss type, with contractures. Identifiers: Orphanet 261, Orphanet 98863, MedGen C0751337, MONDO:0010680.

Submission:

Labcorp Genetics (formerly Invitae), Labcorp
Classification: Pathogenic for X-linked Emery-Dreifuss muscular dystrophy. Last evaluated: 2023-04-11. Review status: criteria provided, single submitter. Criteria: Invitae Variant Classification Sherloc (09022015). Collection method: clinical testing. Allele origin: germline.
Comment: This variant is not present in population databases (gnomAD no frequency). This variant has not been reported in the literature in individuals affected with EMD-related conditions. This variant disrupts a region of the EMD protein in which other variant(s) (p.Trp226*) have been determined to be pathogenic (PMID: 8589715, 15967842). This suggests that this is a clinically significant region of the protein, and that variants that disrupt it are likely to be disease-causing. For these reasons, this variant has been classified as Pathogenic. This sequence change creates a premature translational stop signal (p.Gln133Profs*6) in the EMD gene. While this is not anticipated to result in nonsense mediated decay, it is expected to disrupt the last 122 amino acid(s) of the EMD protein.

Literature cited by the submitters: PubMed 8589715; PubMed 15967842.